The following is an entry in ClinVar:

ClinVar aggregate classification (germline): Pathogenic (1 of 4 stars; one submission).

Submission:

GeneDx
Classification: Pathogenic. Last evaluated: 2018-06-18. Review status: criteria provided, single submitter. Criteria: GeneDx Variant Classification (06012015). Collection method: clinical testing. Allele origin: germline. Affected: yes.
Comment: The W1776X variant in the TRIO gene has not been reported previously as a pathogenic variant nor as a benign variant, to our knowledge. This variant is predicted to cause loss of normal protein function either through protein truncation or nonsense-mediated mRNA decay. The W1776X variant is not observed in large population cohorts (Lek et al., 2016). We interpret W1776X as a pathogenic variant.

NM_007118.4(TRIO):c.5328G>A (p.Trp1776Ter)

Gene: TRIO (trio Rho guanine nucleotide exchange factor; plus strand). Cytogenetic location: 5p15.2.
Variant type: single nucleotide variant.
Coding change: c.5328G>A on transcript NM_007118.4 (MANE Select); coding-DNA position 5328, G replaced by A.
Protein change: p.Trp1776Ter; replaces tryptophan 1776 with a stop codon.
Molecular consequence: nonsense. On other transcripts: non-coding transcript variant (1).
Genome position (GRCh38, 1-based): chr5:14,461,143, G>A. VCF-style: chr5-14461143-G-A. GRCh37 (hg19) VCF-style: chr5-14461252-G-A.
Other names: short protein forms W1776*.
Identifiers: ClinVar variation 620237 (VCV000620237.1), dbSNP rs1561518112, ClinGen allele CA359227324.
Genomic context (GRCh38, chr5:14,461,143, plus strand): 5'-CATGATCGGGGCCCAGAGCTCGCCGGGCCCCAAGCGGCCGGGCAACACCCTGCGCAAGTG[G>A]CTCACCAGCCCCGTGCGGCGGCTCAGCAGCGGCAAGGCCGACGGGCACGTGAAGAAGCTG-3'